The following is an entry in ClinVar:

NM_133379.5(TTN):c.11574A>G (p.Val3858=)

Gene: TTN (titin; minus strand). Cytogenetic location: 2q31.2.
Variant type: single nucleotide variant.
Coding change: c.11574A>G on transcript NM_133379.5; coding-DNA position 11574, A replaced by G.
Protein change: p.Val3858=; no amino-acid change (valine 3858 retained).
Molecular consequence: synonymous variant. On other transcripts: intron variant (6).
Genome position (GRCh38, 1-based): chr2:178,750,826, T>C on the plus strand (A>G on the coding strand, the complement: TTN is on the minus strand). VCF-style: chr2-178750826-T-C. GRCh37 (hg19) VCF-style: chr2-179615553-T-C.
Other names: c.11574A>G (NM_133379.4); c.10222+2298A>G (NM_003319.4); c.10798+2298A>G (NM_133437.4); c.10597+2298A>G (NM_133432.3); c.10360+2298A>G (NM_133378.4, NM_001256850.1); c.11311+2298A>G (NM_001267550.2).
Identifiers: ClinVar variation 809084 (VCV000809084.39), dbSNP rs751724481, ClinGen allele CA2003721.

ClinVar aggregate classification (germline): Benign/Likely benign. Review status: criteria provided, multiple submitters, no conflicts (2 of 4 stars). 3 submissions from 3 submitters: Benign (1); Likely benign (2). Last evaluated 2026-06-01.

Conditions:
TTN-related disorder. Also called: TTN-related disorders; TTN-related condition; TTN-related disease.

Allele frequency attached by ClinVar (database versions not stated): gnomAD 0.00007 and 0.00006; gnomAD exomes 0.00008 and 0.00005; ExAC 0.00005; TOPMed 0.00006.
gnomAD v4.1: 85 of 1,613,084 alleles (0.0053%); highest among the groups gnomAD compares: Middle Eastern, 0.016%; no homozygotes.

Submissions (3):

CeGaT Center for Human Genetics Tuebingen
Classification: Likely benign. Last evaluated: 2026-06-01. Review status: criteria provided, single submitter. Criteria: CeGaT Center For Human Genetics Tuebingen Variant Classification Criteria Version 2. Collection method: clinical testing. Allele origin: germline. Affected: yes. Observed: 4 variant alleles.
Comment: TTN: BP4, BP7

PreventionGenetics, part of Exact Sciences
Classification: Likely benign for TTN-related condition. Last evaluated: 2026-03-13. Review status: criteria provided, single submitter. Criteria: ACMG Guidelines, 2015. Collection method: clinical testing. Allele origin: germline.
Comment: This variant is classified as likely benign based on ACMG/AMP sequence variant interpretation guidelines (Richards et al. 2015 PMID: 25741868, with internal and published modifications).

GeneDx
Classification: Benign. Last evaluated: 2015-03-03. Review status: criteria provided, single submitter. Criteria: GeneDx Variant Classification Process June 2021. Collection method: clinical testing. Allele origin: germline. Affected: yes.